The following is an entry in ClinVar:

ClinVar aggregate classification (germline): Uncertain significance (1 of 4 stars; one submission).

Submission:

CeGaT Center for Human Genetics Tuebingen
Classification: Uncertain significance. Last evaluated: 2023-08-01. Review status: criteria provided, single submitter. Criteria: CeGaT Center For Human Genetics Tuebingen Variant Classification Criteria Version 2. Collection method: clinical testing. Allele origin: germline. Affected: yes. Observed: 1 variant allele.
Comment: PKD1: PM2, BP4

NM_001009944.3(PKD1):c.11187C>A (p.His3729Gln)

Genes: PKD1 (polycystin 1, transient receptor potential channel interacting; minus strand), PKD1-AS1 (PKD1 antisense RNA 1; plus strand). Cytogenetic location: 16p13.3.
Variant type: single nucleotide variant.
Coding change: c.11187C>A on transcript NM_001009944.3 (MANE Select); coding-DNA position 11187, C replaced by A.
Protein change: p.His3729Gln; replaces histidine 3729 with glutamine.
Molecular consequence: missense variant.
Genome position (GRCh38, 1-based): chr16:2,092,562, G>T on the plus strand (C>A on the coding strand, the complement: PKD1 is on the minus strand). VCF-style: chr16-2092562-G-T. GRCh37 (hg19) VCF-style: chr16-2142563-G-T.
Other names: c.11184C>A, p.His3728Gln (NM_000296.4); short protein forms H3728Q, H3729Q.
Identifiers: ClinVar variation 2645988 (VCV002645988.24), dbSNP rs369801323, ClinGen allele CA394336396.